The following is an entry in ClinVar:

ClinVar aggregate classification (germline): Uncertain significance (1 of 4 stars; one submission).

Conditions:
Joubert syndrome. Also called: CEREBELLOPARENCHYMAL DISORDER IV; JOUBERT-BOLTSHAUSER SYNDROME; Familial aplasia of the vermis. Identifiers: Orphanet 475, MedGen C5979921, MONDO:0018772.

Allele frequency attached by ClinVar (database versions not stated): TOPMed 0.00001.
gnomAD v4.1: 28 of 1,612,408 alleles (0.0017%); highest among the groups gnomAD compares: Non-Finnish European, 0.0024%; no homozygotes.

Submission:

Labcorp Genetics (formerly Invitae), Labcorp
Classification: Uncertain significance for Joubert syndrome. Last evaluated: 2022-05-29. Review status: criteria provided, single submitter. Criteria: Invitae Variant Classification Sherloc (09022015). Collection method: clinical testing. Allele origin: germline.
Comment: This sequence change replaces alanine, which is neutral and non-polar, with valine, which is neutral and non-polar, at codon 1053 of the AHI1 protein (p.Ala1053Val). This variant is not present in population databases (gnomAD no frequency). This variant has not been reported in the literature in individuals affected with AHI1-related conditions. In summary, the available evidence is currently insufficient to determine the role of this variant in disease. Therefore, it has been classified as a Variant of Uncertain Significance. Advanced modeling of protein sequence and biophysical properties (such as structural, functional, and spatial information, amino acid conservation, physicochemical variation, residue mobility, and thermodynamic stability) performed at Invitae indicates that this missense variant is not expected to disrupt AHI1 protein function.

NM_001134831.2(AHI1):c.3158C>T (p.Ala1053Val)

Gene: AHI1 (Abelson helper integration site 1; minus strand). Cytogenetic location: 6q23.3.
Variant type: single nucleotide variant.
Coding change: c.3158C>T on transcript NM_001134831.2 (MANE Select); coding-DNA position 3158, C replaced by T.
Protein change: p.Ala1053Val; replaces alanine 1053 with valine.
Molecular consequence: missense variant.
Genome position (GRCh38, 1-based): chr6:135,358,139, G>A on the plus strand (C>T on the coding strand, the complement: AHI1 is on the minus strand). VCF-style: chr6-135358139-G-A. GRCh37 (hg19) VCF-style: chr6-135679277-G-A.
Other names: c.3158C>T, p.Ala1053Val (NM_001134830.2, NM_001350503.2, NM_001350504.2 and 1 more transcripts); short protein forms A1053V.
Identifiers: ClinVar variation 2198619 (VCV002198619.4), dbSNP rs1203229069, ClinGen allele CA365840758.